The following is an entry in ClinVar:

NM_000257.4(MYH7):c.999+9G>A

Gene: MYH7 (myosin heavy chain 7; minus strand). Cytogenetic location: 14q11.2.
Variant type: single nucleotide variant.
Coding change: c.999+9G>A on transcript NM_000257.4 (MANE Select); 9 bases into the intron after coding-DNA position 999, G replaced by A.
Molecular consequence: intron variant.
Genome position (GRCh38, 1-based): chr14:23,430,551, C>T on the plus strand (G>A on the coding strand, the complement: MYH7 is on the minus strand). VCF-style: chr14-23430551-C-T. GRCh37 (hg19) VCF-style: chr14-23899760-C-T.
Other names: c.999+9G>A (LRG_384t1).
Identifiers: ClinVar variation 381096 (VCV000381096.3), dbSNP rs1057520956, ClinGen allele CA16606825.

ClinVar aggregate classification (germline): Likely benign. Review status: criteria provided, multiple submitters, no conflicts (2 of 4 stars). 2 submissions from 2 submitters: Likely benign (2). Last evaluated 2025-01-12.

Conditions:
Hypertrophic cardiomyopathy. Also called: HYPERTROPHIC MYOCARDIOPATHY. Identifiers: Orphanet 217569, MedGen C0007194, MeSH D002312, MONDO:0005045, HP:0001639.

Allele frequency attached by ClinVar (database versions not stated): gnomAD exomes below 0.00001; TOPMed below 0.00001.

Submissions (2):

Labcorp Genetics (formerly Invitae), Labcorp
Classification: Likely benign for Hypertrophic cardiomyopathy. Last evaluated: 2025-01-12. Review status: criteria provided, single submitter. Criteria: Invitae Variant Classification Sherloc (09022015). Collection method: clinical testing. Allele origin: germline.

GeneDx
Classification: Likely benign. Last evaluated: 2015-10-14. Review status: criteria provided, single submitter. Criteria: GeneDx Variant Classification (06012015). Collection method: clinical testing. Allele origin: germline. Affected: yes.
Comment: This variant is considered likely benign or benign based on one or more of the following criteria: it is a conservative change, it occurs at a poorly conserved position in the protein, it is predicted to be benign by multiple in silico algorithms, and/or has population frequency not consistent with disease.